The following is an entry in ClinVar:

NM_014727.3(KMT2B):c.5074A>G (p.Lys1692Glu)

Gene: KMT2B (lysine methyltransferase 2B; plus strand). Cytogenetic location: 19q13.12.
Variant type: single nucleotide variant.
Coding change: c.5074A>G on transcript NM_014727.3 (MANE Select); coding-DNA position 5074, A replaced by G.
Protein change: p.Lys1692Glu; replaces lysine 1692 with glutamic acid.
Molecular consequence: missense variant.
Genome position (GRCh38, 1-based): chr19:35,730,123, A>G. VCF-style: chr19-35730123-A-G. GRCh37 (hg19) VCF-style: chr19-36221024-A-G.
Other names: short protein forms K1692E.
Identifiers: ClinVar variation 1956803 (VCV001956803.5), dbSNP rs753753995, ClinGen allele CA9385279.
Genomic context (GRCh38, chr19:35,730,123, plus strand): 5'-TGCATCTTCCAGGATGACAAGAAAGTCTTCTGCCAGAAACACACTGATCTCCTGGATGGC[A>G]AGGTGGGCCAGAACTGTGGGGTACACGGTTCCTTCCCCACCTCTCTTCCTGTTCACTTAG-3'
Protein context (NP_055542.1, residues 1682-1702): CQKHTDLLDG[Lys1692Glu]EIVNPDGFDV

ClinVar aggregate classification (germline): Uncertain significance (1 of 4 stars; one submission).

Allele frequency attached by ClinVar (database versions not stated): gnomAD exomes below 0.00001; TOPMed 0.00001; ExAC 0.00002.
gnomAD v4.1: 4 of 1,613,618 alleles (0.00025%); highest among the groups gnomAD compares: Non-Finnish European, 0.00034%; no homozygotes.

Submission:

Labcorp Genetics (formerly Invitae), Labcorp
Classification: Uncertain significance. Last evaluated: 2022-10-27. Review status: criteria provided, single submitter. Criteria: Invitae Variant Classification Sherloc (09022015). Collection method: clinical testing. Allele origin: germline.
Comment: In summary, the available evidence is currently insufficient to determine the role of this variant in disease. Therefore, it has been classified as a Variant of Uncertain Significance. Algorithms developed to predict the effect of missense changes on protein structure and function are either unavailable or do not agree on the potential impact of this missense change (SIFT: "Tolerated"; PolyPhen-2: "Not Available"; Align-GVGD: "Class C0"). This variant has not been reported in the literature in individuals affected with KMT2B-related conditions. This variant is present in population databases (rs753753995, gnomAD 0.002%). This sequence change replaces lysine, which is basic and polar, with glutamic acid, which is acidic and polar, at codon 1692 of the KMT2B protein (p.Lys1692Glu).